The following is an entry in ClinVar:

NM_031935.3(HMCN1):c.3549A>T (p.Gln1183His)

Gene: HMCN1 (hemicentin 1; plus strand). Cytogenetic location: 1q31.1.
Variant type: single nucleotide variant.
Coding change: c.3549A>T on transcript NM_031935.3 (MANE Select); coding-DNA position 3549, A replaced by T.
Protein change: p.Gln1183His; replaces glutamine 1183 with histidine.
Molecular consequence: missense variant.
Genome position (GRCh38, 1-based): chr1:185,994,858, A>T. VCF-style: chr1-185994858-A-T. GRCh37 (hg19) VCF-style: chr1-185963990-A-T.
Other names: c.3549A>T (NM_031935.2); short protein forms Q1183H.
Identifiers: ClinVar variation 1591145 (VCV001591145.11), dbSNP rs556364086, ClinGen allele CA1291762.

ClinVar aggregate classification (germline): Benign. Review status: criteria provided, multiple submitters, no conflicts (2 of 4 stars). 3 submissions from 3 submitters: Benign (2). 1 of the submissions does not count toward it. Last evaluated 2025-10-01.

Conditions:
HMCN1-related disorder. Also called: HMCN1-related condition.

Allele frequency attached by ClinVar (database versions not stated): TOPMed 0.00004; gnomAD 0.00033; 1000 Genomes Project 30x 0.00078; gnomAD exomes 0.00090; ExAC 0.00096; 1000 Genomes Project 0.00100.
gnomAD v4.1: 725 of 1,613,718 alleles (0.045%); highest among the groups gnomAD compares: South Asian, 0.76%; 4 homozygotes.

Submissions (3):

Labcorp Genetics (formerly Invitae), Labcorp
Classification: Benign. Last evaluated: 2025-10-01. Review status: criteria provided, single submitter. Criteria: Invitae Variant Classification Sherloc (09022015). Collection method: clinical testing. Allele origin: germline.

Breakthrough Genomics
Classification: Benign. Review status: criteria provided, single submitter. Criteria: ACMG Guidelines, 2015. Collection method: not provided. Allele origin: germline. Inheritance: Autosomal dominant inheritance. Affected: yes.

PreventionGenetics, part of Exact Sciences
Classification: Benign for HMCN1-related condition. Last evaluated: 2020-06-05. Review status: no assertion criteria provided. Collection method: clinical testing. Allele origin: germline. Not counted in ClinVar's aggregate classification.
Comment: This variant is classified as benign based on ACMG/AMP sequence variant interpretation guidelines (Richards et al. 2015 PMID: 25741868, with internal and published modifications).